The following is an entry in ClinVar:

NM_000540.3(RYR1):c.2723A>G (p.Asp908Gly)

Gene: RYR1 (ryanodine receptor 1; plus strand). Cytogenetic location: 19q13.2.
Variant type: single nucleotide variant.
Coding change: c.2723A>G on transcript NM_000540.3 (MANE Select); coding-DNA position 2723, A replaced by G.
Protein change: p.Asp908Gly; replaces aspartic acid 908 with glycine.
Molecular consequence: missense variant.
Genome position (GRCh38, 1-based): chr19:38,463,787, A>G. VCF-style: chr19-38463787-A-G. GRCh37 (hg19) VCF-style: chr19-38954427-A-G.
Other names: c.2723A>G, p.Asp908Gly (NM_001042723.2); short protein forms D908G.
Identifiers: ClinVar variation 3069997 (VCV003069997.1), dbSNP rs1035741922, ClinGen allele CA308074494.

ClinVar aggregate classification (germline): Uncertain significance (1 of 4 stars; one submission).

Conditions:
Malignant hyperthermia, susceptibility to, 1 (MHS1). Also called: RYR1-Related Malignant Hyperthermia Susceptibility; Anesthesia related hyperthermia; Malignant hyperpyrexia; Fulminating hyperpyrexia; Pharmacogenic myopathy; Malignant hyperthermia suceptibility 1. Identifiers: Orphanet 423, MedGen C2930980, MONDO:0007783, OMIM 145600.

Allele frequency attached by ClinVar (database versions not stated): gnomAD exomes 0.00001; TOPMed 0.00002; gnomAD 0.00003.
gnomAD v4.1: 11 of 1,613,908 alleles (0.00068%); highest among the groups gnomAD compares: Non-Finnish European, 0.00085%; no homozygotes.

Submission:

All of Us Research Program, National Institutes of Health
Classification: Uncertain significance for Malignant hyperthermia, susceptibility to, 1. Last evaluated: 2023-03-28. Review status: criteria provided, single submitter. Criteria: ACMG Guidelines, 2015. Collection method: clinical testing. Allele origin: germline. Inheritance: Autosomal dominant inheritance. Observed: 1 variant allele, 1 heterozygote.
Comment: This study involves interpretation of variants in research participants for the purpose of population health screening. Participant phenotype was not available at the time of variant classification. Additional details can be found in publication PMID: 35346344, PMCID: PMC8962531